The following is an entry in ClinVar:

NM_000153.4(GALC):c.1671-2A>G

Gene: GALC (galactosylceramidase; minus strand). Cytogenetic location: 14q31.3.
Variant type: single nucleotide variant.
Coding change: c.1671-2A>G on transcript NM_000153.4 (MANE Select); the canonical splice acceptor site of the intron before coding-DNA position 1671, A replaced by G.
Molecular consequence: splice acceptor variant.
Genome position (GRCh38, 1-based): chr14:87,941,560, T>C on the plus strand (A>G on the coding strand, the complement: GALC is on the minus strand). VCF-style: chr14-87941560-T-C. GRCh37 (hg19) VCF-style: chr14-88407904-T-C.
Other names: c.1671-2A>G (NM_000153.3); c.1593-2A>G (NM_001201402.2); c.1602-2A>G (NM_001201401.2).
Identifiers: ClinVar variation 2137611 (VCV002137611.5), dbSNP rs1400447609, ClinGen allele CA390745934.

ClinVar aggregate classification (germline): Pathogenic. Review status: criteria provided, multiple submitters, no conflicts (2 of 4 stars). 2 submissions from 2 submitters: Pathogenic (2). Last evaluated 2025-12-18.

Conditions:
Galactosylceramide beta-galactosidase deficiency. Also called: Krabbe Disease; GALACTOCEREBROSIDASE DEFICIENCY; GALC DEFICIENCY; GLOBOID CELL LEUKOENCEPHALOPATHY; Leukodystrophy, Globoid Cell. Identifiers: Orphanet 487, MedGen C0023521, MONDO:0009499, OMIM 245200.

Allele frequency attached by ClinVar (database versions not stated): TOPMed below 0.00001; gnomAD 0.00001.

Submissions (2):

Natera, Inc.
Classification: Pathogenic for Galactosylceramide beta-galactosidase deficiency. Last evaluated: 2025-12-18. Review status: criteria provided, single submitter. Criteria: Natera Variant Classification Schema (03/2026). Collection method: clinical testing. Allele origin: germline.
Comment: The c.1671-2A>G variant in GALC is a canonical splice acceptor site variant predicted to affect pre-mRNA splicing, which may result in an abnormal transcript and altered protein product. This variant is expected to result in nonsense mediated decay, truncation, or a dysfunctional protein product. This variant is rare in the general population with a frequency below the threshold expected for the associated phenotype(s). Another variant at this same site results in an alteration predicted to cause a similar molecular effect has been observed in individual(s) with the associated phenotype. Given the available evidence, this variant is classified as Pathogenic.

Labcorp Genetics (formerly Invitae), Labcorp
Classification: Pathogenic for Galactosylceramide beta-galactosidase deficiency. Last evaluated: 2022-07-06. Review status: criteria provided, single submitter. Criteria: Invitae Variant Classification Sherloc (09022015). Collection method: clinical testing. Allele origin: germline.
Comment: Algorithms developed to predict the effect of sequence changes on RNA splicing suggest that this variant may disrupt the consensus splice site. This sequence change affects an acceptor splice site in intron 14 of the GALC gene. It is expected to disrupt RNA splicing. Variants that disrupt the donor or acceptor splice site typically lead to a loss of protein function (PMID: 16199547), and loss-of-function variants in GALC are known to be pathogenic (PMID: 7437911, 9272171, 16607461). This variant is not present in population databases (gnomAD no frequency). Disruption of this splice site has been observed in individuals with Krabbe disease (PMID: 26795590, 32089546). For these reasons, this variant has been classified as Pathogenic.

Literature cited by the submitters: PubMed 16199547 (cited by Labcorp Genetics (formerly Invitae), Labcorp); PubMed 7437911 (cited by Labcorp Genetics (formerly Invitae), Labcorp); PubMed 9272171 (cited by Labcorp Genetics (formerly Invitae), Labcorp); PubMed 16607461 (cited by Labcorp Genetics (formerly Invitae), Labcorp); PubMed 26795590 (cited by Labcorp Genetics (formerly Invitae), Labcorp); PubMed 32089546 (cited by Labcorp Genetics (formerly Invitae), Labcorp).